The following is an entry in ClinVar:

NC_000015.10:g.(?_89290203)_(89291724_?)del

Gene: FANCI (FA complementation group I; plus strand). Cytogenetic location: 15q26.1.
Variant type: Deletion.
Identifiers: ClinVar variation 651829 (VCV000651829.8).

ClinVar aggregate classification (germline): Uncertain significance (1 of 4 stars; one submission).

Conditions:
Fanconi anemia (FA). Also called: Fanconi's anemia. Identifiers: Orphanet 84, MedGen C0015625, MeSH D005199, MONDO:0019391.

Submission:

Labcorp Genetics (formerly Invitae), Labcorp
Classification: Uncertain significance for Fanconi anemia. Last evaluated: 2018-11-14. Review status: criteria provided, single submitter. Criteria: Invitae Variant Classification Sherloc (09022015). Collection method: clinical testing. Allele origin: germline.
Comment: In summary, the available evidence is currently insufficient to determine the role of this variant in disease. Therefore, it has been classified as a Variant of Uncertain Significance. Experimental studies and prediction algorithms are not available for this variant, and the functional significance of the affected amino acids is currently unknown. This variant has not been reported in the literature in individuals with FANCI-related disease. This variant is an in-frame deletion of the genomic region encompassing exons 19-20 of the FANCI gene. It preserves the integrity of the reading frame.